The following is an entry in ClinVar:

ClinVar aggregate classification (germline): Uncertain significance (1 of 4 stars; one submission).

Allele frequency attached by ClinVar (database versions not stated): gnomAD exomes below 0.00001.
gnomAD v4.1: 2 of 1,246,568 alleles (0.00016%); highest among the groups gnomAD compares: Non-Finnish European, 0.00021%; no homozygotes.

Submission:

Labcorp Genetics (formerly Invitae), Labcorp
Classification: Uncertain significance. Last evaluated: 2022-02-08. Review status: criteria provided, single submitter. Criteria: Invitae Variant Classification Sherloc (09022015). Collection method: clinical testing. Allele origin: germline.
Comment: This variant is not present in population databases (gnomAD no frequency). This sequence change replaces methionine, which is neutral and non-polar, with threonine, which is neutral and polar, at codon 22 of the PACS2 protein (p.Met22Thr). Algorithms developed to predict the effect of missense changes on protein structure and function are either unavailable or do not agree on the potential impact of this missense change (SIFT: "Deleterious"; PolyPhen-2: "Benign"; Align-GVGD: "Class C0"). In summary, the available evidence is currently insufficient to determine the role of this variant in disease. Therefore, it has been classified as a Variant of Uncertain Significance. This variant has not been reported in the literature in individuals affected with PACS2-related conditions.

NM_001100913.3(PACS2):c.65T>C (p.Met22Thr)

Genes: BRF1 (BRF1 general transcription factor IIIB subunit; minus strand), PACS2 (phosphofurin acidic cluster sorting protein 2; plus strand), LOC130056677 (ATAC-STARR-seq lymphoblastoid silent region 6228; plus strand). Cytogenetic location: 14q32.33.
Variant type: single nucleotide variant.
Coding change: c.65T>C on transcript NM_001100913.3 (MANE Select); coding-DNA position 65, T replaced by C.
Protein change: p.Met22Thr; replaces methionine 22 with threonine.
Molecular consequence: missense variant. On other transcripts: intron variant (4).
Genome position (GRCh38, 1-based): chr14:105,314,983, T>C. VCF-style: chr14-105314983-T-C. GRCh37 (hg19) VCF-style: chr14-105781320-T-C.
Other names: c.65T>C, p.Met22Thr (NM_015197.4); c.-162+339A>G (NM_001440451.1, NM_001242787.2, NM_001242786.2); c.-83+14004T>C (NM_001243127.3); short protein forms M22T.
Identifiers: ClinVar variation 1940200 (VCV001940200.4), dbSNP rs2058503402, ClinGen allele CA391191640.
Genomic context (GRCh38, chr14:105,314,983, plus strand): 5'-CCGAGCGAGGCCGCCTCGGCCTCCCCGGCGCGCCCGGCGCGCTCAACACGCCCGTGCCCA[T>C]GAACCTGTTCGCCACCTGGGAGGTGGACGGCTCCAGCCCCAGCTGCGTGCCCAGGTACGC-3'
Protein context (NP_001094383.2, residues 12-32): APGALNTPVP[Met22Thr]NLFATWEVDG